The following is an entry in ClinVar:

ClinVar aggregate classification (germline): Uncertain significance (1 of 4 stars; one submission).

Allele frequency attached by ClinVar (database versions not stated): ExAC 0.00002; gnomAD 0.00002; gnomAD exomes 0.00002 and 0.00003; TOPMed 0.00002.

Submission:

Labcorp Genetics (formerly Invitae), Labcorp
Classification: Uncertain significance. Last evaluated: 2021-04-23. Review status: criteria provided, single submitter. Criteria: Invitae Variant Classification Sherloc (09022015). Collection method: clinical testing. Allele origin: germline.
Comment: This variant is present in population databases (rs751002998, ExAC 0.006%). This sequence change falls in intron 10 of the FCHO1 gene. It does not directly change the encoded amino acid sequence of the FCHO1 protein. In summary, the available evidence is currently insufficient to determine the role of this variant in disease. Therefore, it has been classified as a Variant of Uncertain Significance. Algorithms developed to predict the effect of sequence changes on RNA splicing suggest that this variant may disrupt the consensus splice site, but this prediction has not been confirmed by published transcriptional studies. This variant has not been reported in the literature in individuals with FCHO1-related conditions.

NM_015122.3(FCHO1):c.694-7G>A

Gene: FCHO1 (FCH and mu domain containing endocytic adaptor 1; plus strand). Cytogenetic location: 19p13.11.
Variant type: single nucleotide variant.
Coding change: c.694-7G>A on transcript NM_015122.3 (MANE Select); 7 bases into the intron before coding-DNA position 694, G replaced by A.
Molecular consequence: intron variant.
Genome position (GRCh38, 1-based): chr19:17,772,638, G>A. VCF-style: chr19-17772638-G-A. GRCh37 (hg19) VCF-style: chr19-17883447-G-A.
Other names: c.694-7G>A (NM_001384401.1, NM_001384387.1, NM_001384381.1 and 26 more transcripts); c.655-7G>A (NM_001384389.1, NM_001384388.1, NM_001384405.1); c.544-7G>A (NM_001384386.1, NM_001161359.2, NM_001384406.1 and 3 more transcripts); c.619-7G>A (NM_001384390.1).
Identifiers: ClinVar variation 1368597 (VCV001368597.6), dbSNP rs751002998, ClinGen allele CA9300198.